The following is an entry in ClinVar:

NM_018714.3(COG1):c.543A>G (p.Ala181=)

Gene: COG1 (component of oligomeric golgi complex 1; plus strand). Cytogenetic location: 17q25.1.
Variant type: single nucleotide variant.
Coding change: c.543A>G on transcript NM_018714.3 (MANE Select); coding-DNA position 543, A replaced by G.
Protein change: p.Ala181=; no amino-acid change (alanine 181 retained).
Molecular consequence: synonymous variant.
Genome position (GRCh38, 1-based): chr17:73,196,734, A>G. VCF-style: chr17-73196734-A-G. GRCh37 (hg19) VCF-style: chr17-71192873-A-G.
Other names: p.Ala181=.
Identifiers: ClinVar variation 95919 (VCV000095919.22), dbSNP rs11544800, ClinGen allele CA149041.

ClinVar aggregate classification (germline): Benign. Review status: criteria provided, multiple submitters, no conflicts (2 of 4 stars). 7 submissions from 7 submitters: Benign (7). Last evaluated 2026-02-04.

Conditions:
COG1 congenital disorder of glycosylation (CDG2G). Also called: CONGENITAL DISORDER OF GLYCOSYLATION, TYPE IIg; CDG IIg; CDGII/COG1 CEREBROCOSTOMANDIBULAR-LIKE SYNDROME. Identifiers: Orphanet 263508, MedGen C2931011, MONDO:0012637, OMIM 611209.

Allele frequency attached by ClinVar (database versions not stated): 1000 Genomes Project 30x 0.43832; gnomAD 0.43890 and 0.44435; TOPMed 0.44220; ESP Exome Variant Server 0.44872; 1000 Genomes Project 0.45128; ExAC 0.50134; gnomAD exomes 0.50169 and 0.51901.
gnomAD v4.1: 825,121 of 1,613,542 alleles (51%); highest among the groups gnomAD compares: East Asian, 62%; 214,493 homozygotes.

Submissions (7):

Labcorp Genetics (formerly Invitae), Labcorp
Classification: Benign for COG1 congenital disorder of glycosylation. Last evaluated: 2026-02-04. Review status: criteria provided, single submitter. Criteria: Invitae Variant Classification Sherloc (09022015). Collection method: clinical testing. Allele origin: germline.

Genome-Nilou Lab
Classification: Benign for COG1 congenital disorder of glycosylation. Last evaluated: 2021-07-22. Review status: criteria provided, single submitter. Criteria: ACMG Guidelines, 2015. Collection method: clinical testing. Allele origin: germline. Affected: no.

GeneDx
Classification: Benign. Last evaluated: 2018-06-14. Review status: criteria provided, single submitter. Criteria: GeneDx Variant Classification (06012015). Collection method: clinical testing. Allele origin: germline. Affected: yes.
Comment: This variant is considered likely benign or benign based on one or more of the following criteria: it is a conservative change, it occurs at a poorly conserved position in the protein, it is predicted to be benign by multiple in silico algorithms, and/or has population frequency not consistent with disease.

Illumina Laboratory Services, Illumina
Classification: Benign for COG1 congenital disorder of glycosylation. Last evaluated: 2018-01-13. Review status: criteria provided, single submitter. Criteria: ICSL Variant Classification Criteria 13 December 2019. Collection method: clinical testing. Allele origin: germline.
Comment: This variant was observed in the ICSL laboratory as part of a predisposition screen in an ostensibly healthy population. It had not been previously curated by ICSL or reported in the Human Gene Mutation Database (HGMD: prior to June 1st, 2018), and was therefore a candidate for classification through an automated scoring system. Utilizing variant allele frequency, disease prevalence and penetrance estimates, and inheritance mode, an automated score was calculated to assess if this variant is too frequent to cause the disease. Based on the score and internal cut-off values, a variant classified as benign is not then subjected to further curation. The score for this variant resulted in a classification of benign for this disease.

Mayo Clinic Laboratories, Mayo Clinic
Classification: Benign. Last evaluated: 2017-11-20. Review status: criteria provided, single submitter. Criteria: ACMG Guidelines, 2015. Collection method: clinical testing. Allele origin: germline. Observed: 28 variant alleles.

Eurofins Ntd Llc (ga)
Classification: Benign. Last evaluated: 2012-07-25. Review status: criteria provided, single submitter. Criteria: EGL Classification Definitions 2015. Collection method: clinical testing. Allele origin: germline. Observed: 33 variant alleles, 20 heterozygotes, 13 homozygotes.

Breakthrough Genomics
Classification: Benign. Review status: criteria provided, single submitter. Criteria: ACMG Guidelines, 2015. Collection method: not provided. Allele origin: germline. Inheritance: Autosomal recessive inheritance. Affected: yes.